The following is an entry in ClinVar:

ClinVar aggregate classification (germline): Uncertain significance. Review status: criteria provided, multiple submitters, no conflicts (2 of 4 stars). 2 submissions from 2 submitters: Uncertain significance (2). Last evaluated 2026-06-22.

gnomAD v4.1: 1 of 1,611,172 alleles (0.000062%); highest among the groups gnomAD compares: Non-Finnish European, 0.000085%; no homozygotes.

Submissions (2):

Ambry Genetics
Classification: Uncertain significance. Last evaluated: 2026-06-22. Review status: criteria provided, single submitter. Criteria: Ambry Variant Classification Scheme 2023. Collection method: clinical testing. Allele origin: germline.
Comment: The p.E326K variant (also known as c.976G>A), located in coding exon 10 of the A2ML1 gene, results from a G to A substitution at nucleotide position 976. The glutamic acid at codon 326 is replaced by lysine, an amino acid with similar properties. This amino acid position is conserved. In addition, this alteration is predicted to be tolerated by in silico analysis. Based on the available evidence, the clinical significance of this variant remains unclear.

Labcorp Genetics (formerly Invitae), Labcorp
Classification: Uncertain significance. Last evaluated: 2022-02-22. Review status: criteria provided, single submitter. Criteria: Invitae Variant Classification Sherloc (09022015). Collection method: clinical testing. Allele origin: germline.
Comment: This sequence change replaces glutamic acid, which is acidic and polar, with lysine, which is basic and polar, at codon 326 of the A2ML1 protein (p.Glu326Lys). This variant is not present in population databases (gnomAD no frequency). In summary, the available evidence is currently insufficient to determine the role of this variant in disease. Therefore, it has been classified as a Variant of Uncertain Significance. Algorithms developed to predict the effect of missense changes on protein structure and function (SIFT, PolyPhen-2, Align-GVGD) all suggest that this variant is likely to be tolerated. This variant has not been reported in the literature in individuals affected with A2ML1-related conditions.

NM_144670.6(A2ML1):c.976G>A (p.Glu326Lys)

Gene: A2ML1 (alpha-2-macroglobulin like 1; plus strand). Cytogenetic location: 12p13.31.
Variant type: single nucleotide variant.
Coding change: c.976G>A on transcript NM_144670.6 (MANE Select); coding-DNA position 976, G replaced by A.
Protein change: p.Glu326Lys; replaces glutamic acid 326 with lysine.
Molecular consequence: missense variant.
Genome position (GRCh38, 1-based): chr12:8,839,118, G>A. VCF-style: chr12-8839118-G-A. GRCh37 (hg19) VCF-style: chr12-8991714-G-A.
Other names: c.976G>A (NM_144670.3); short protein forms E326K.
Identifiers: ClinVar variation 1937640 (VCV001937640.6), dbSNP rs1007463257, ClinGen allele CA232673155.
Genomic context (GRCh38, chr12:8,839,118, plus strand): 5'-TGAAGATGAGAATATCAGGTGCCTAGATCTTTATACATCTGGTTTCCCTCTGCAGGTGTG[G>A]AGGCCAATGCCACTCAGAATATCTACATTTCTCCACAAATGGGATCAATGACCTTTGAAG-3'
Protein context (NP_653271.3, residues 316-336): ATVVEEGTGV[Glu326Lys]ANATQNIYIS